The following is an entry in ClinVar:

ClinVar aggregate classification (germline): Uncertain significance (1 of 4 stars; one submission).

Conditions:
Spermatogenic failure 33. Identifiers: MedGen C4748395, MONDO:0029147, OMIM 618152.

Submission:

Juno Genomics, Hangzhou Juno Genomics, Inc
Classification: Uncertain significance for Spermatogenic failure 33. Review status: criteria provided, single submitter. Criteria: ACMG Guidelines, 2015. Collection method: clinical testing. Allele origin: germline. Affected: yes.
Comment: Absent from controls (or at extremely low frequency if recessive) in Genome Aggregation Database, Exome Sequencing Project, 1000 Genomes Project, or Exome Aggregation Consortium.;Multiple lines of computational evidence support a deleterious effect on the gene or gene product (conservation, evolutionary, splicing impact, etc).;For recessive disorders, detected in trans with a pathogenic variant.

NM_144668.6(CFAP251):c.2771+11G>C

Gene: CFAP251 (cilia and flagella associated protein 251; plus strand). Cytogenetic location: 12q24.31.
Variant type: single nucleotide variant.
Coding change: c.2771+11G>C on transcript NM_144668.6 (MANE Select); 11 bases into the intron after coding-DNA position 2771, G replaced by C.
Molecular consequence: intron variant.
Genome position (GRCh38, 1-based): chr12:121,968,180, G>C. VCF-style: chr12-121968180-G-C. GRCh37 (hg19) VCF-style: chr12-122406086-G-C.
Other names: c.2771+11G>C (NM_001178003.2).
Identifiers: ClinVar variation 4796541 (VCV004796541.1).